The following is an entry in ClinVar:

ClinVar aggregate classification (germline): Benign. Review status: criteria provided, multiple submitters, no conflicts (2 of 4 stars). 3 submissions from 3 submitters: Benign (3). Last evaluated 2018-11-12.

Conditions:
Senior-Loken syndrome 5 (SLSN5). Identifiers: Orphanet 3156, MedGen C1836517, MONDO:0012225, OMIM 609254.

Allele frequency attached by ClinVar (database versions not stated): 1000 Genomes Project 0.62121; 1000 Genomes Project 30x 0.62851; TOPMed 0.64128.
gnomAD v4.1: 348,958 of 563,820 alleles (62%); highest among the groups gnomAD compares: African/African-American, 71%; 110,383 homozygotes.

Submissions (10):

GeneDx
Classification: Benign. Last evaluated: 2018-11-12. Review status: criteria provided, single submitter. Criteria: GeneDx Variant Classification Process June 2021. Collection method: clinical testing. Allele origin: germline. Affected: yes.

Illumina Laboratory Services, Illumina
Classification: Benign for Senior-Loken syndrome 5. Last evaluated: 2018-01-12. Review status: criteria provided, single submitter. Criteria: ICSL Variant Classification Criteria 13 December 2019. Collection method: clinical testing. Allele origin: germline.
Comment: This variant was observed in the ICSL laboratory as part of a predisposition screen in an ostensibly healthy population. It had not been previously curated by ICSL or reported in the Human Gene Mutation Database (HGMD: prior to June 1st, 2018), and was therefore a candidate for classification through an automated scoring system. Utilizing variant allele frequency, disease prevalence and penetrance estimates, and inheritance mode, an automated score was calculated to assess if this variant is too frequent to cause the disease. Based on the score and internal cut-off values, a variant classified as benign is not then subjected to further curation. The score for this variant resulted in a classification of benign for this disease.

Breakthrough Genomics
Classification: Benign. Review status: criteria provided, single submitter. Criteria: ACMG Guidelines, 2015. Collection method: not provided. Allele origin: germline. Inheritance: Autosomal recessive inheritance. Affected: yes.

Dr. Peter K. Rogan Lab, Western University
No classification provided (evidence only). Condition: Malignant lymphoma, large B-cell, diffuse. Review status: no classification provided. Collection method: in vitro. Allele origin: not applicable. Functional consequence: retained intron. Not counted in ClinVar's aggregate classification.

Dr. Peter K. Rogan Lab, Western University
No classification provided (evidence only). Condition: Malignant lymphoma, large B-cell, diffuse. Review status: no classification provided. Collection method: in vitro. Allele origin: not applicable. Functional consequence: retained intron. Not counted in ClinVar's aggregate classification.

Dr. Peter K. Rogan Lab, Western University
No classification provided (evidence only). Condition: Nonpapillary renal cell carcinoma. Review status: no classification provided. Collection method: in vitro. Allele origin: not applicable. Functional consequence: retained intron. Not counted in ClinVar's aggregate classification.

Dr. Peter K. Rogan Lab, Western University
No classification provided (evidence only). Condition: Gastric cancer. Review status: no classification provided. Collection method: in vitro. Allele origin: not applicable. Functional consequence: retained intron. Not counted in ClinVar's aggregate classification.

Dr. Peter K. Rogan Lab, Western University
No classification provided (evidence only). Condition: Uterine carcinosarcoma. Review status: no classification provided. Collection method: in vitro. Allele origin: not applicable. Functional consequence: retained intron. Not counted in ClinVar's aggregate classification.

Dr. Peter K. Rogan Lab, Western University
No classification provided (evidence only). Condition: Uterine carcinosarcoma. Review status: no classification provided. Collection method: in vitro. Allele origin: not applicable. Functional consequence: retained intron. Not counted in ClinVar's aggregate classification.

Dr. Peter K. Rogan Lab, Western University
No classification provided (evidence only). Condition: Uterine carcinosarcoma. Review status: no classification provided. Collection method: in vitro. Allele origin: not applicable. Functional consequence: retained intron. Not counted in ClinVar's aggregate classification.

NM_001023570.4(IQCB1):c.*197G>C

Gene: IQCB1 (IQ motif containing B1; minus strand). Cytogenetic location: 3q13.33.
Variant type: single nucleotide variant.
Coding change: c.*197G>C on transcript NM_001023570.4 (MANE Select); 197 bases downstream of the stop codon, G replaced by C.
Molecular consequence: 3 prime UTR variant. On other transcripts: non-coding transcript variant (1).
Genome position (GRCh38, 1-based): chr3:121,770,148, C>G on the plus strand (G>C on the coding strand, the complement: IQCB1 is on the minus strand). VCF-style: chr3-121770148-C-G. GRCh37 (hg19) VCF-style: chr3-121488995-C-G.
Other names: NC_000003.11:g.121488995C>G; c.*197G>C (NM_001023571.4, NM_001319107.2).
Identifiers: ClinVar variation 342768 (VCV000342768.8), dbSNP rs1135750, ClinGen allele CA10614589.